The following is an entry in ClinVar:

NM_000393.5(COL5A2):c.2917G>A (p.Glu973Lys)

Gene: COL5A2 (collagen type V alpha 2 chain; minus strand). Cytogenetic location: 2q32.2.
Variant type: single nucleotide variant.
Coding change: c.2917G>A on transcript NM_000393.5 (MANE Select); coding-DNA position 2917, G replaced by A.
Protein change: p.Glu973Lys; replaces glutamic acid 973 with lysine.
Molecular consequence: missense variant.
Genome position (GRCh38, 1-based): chr2:189,051,334, C>T on the plus strand (G>A on the coding strand, the complement: COL5A2 is on the minus strand). VCF-style: chr2-189051334-C-T. GRCh37 (hg19) VCF-style: chr2-189916060-C-T.
Other names: short protein forms E973K.
Identifiers: ClinVar variation 4869266 (VCV004869266.1).

ClinVar aggregate classification (germline): Uncertain significance (1 of 4 stars; one submission).

Conditions:
Familial thoracic aortic aneurysm and aortic dissection (TAAD). Also called: Thoracic aortic aneurysms and dissections. Identifiers: Orphanet 91387, MedGen C4707243, MONDO:0019625.

Submission:

Ambry Genetics
Classification: Uncertain significance for Familial thoracic aortic aneurysm and aortic dissection. Last evaluated: 2026-03-29. Review status: criteria provided, single submitter. Criteria: Ambry Variant Classification Scheme 2023. Collection method: clinical testing. Allele origin: germline.
Comment: The p.E973K variant (also known as c.2917G>A), located in coding exon 42 of the COL5A2 gene, results from a G to A substitution at nucleotide position 2917. The glutamic acid at codon 973 is replaced by lysine, an amino acid with similar properties. This amino acid position is conserved. In addition, the in silico prediction for this alteration is inconclusive. Based on the available evidence, the clinical significance of this variant remains unclear.